The following is an entry in ClinVar:

ClinVar aggregate classification (germline): Uncertain significance. Review status: criteria provided, multiple submitters, no conflicts (2 of 4 stars). 4 submissions from 4 submitters: Uncertain significance (4). Last evaluated 2025-02-03.

Conditions:
Hereditary nonpolyposis colorectal neoplasms. Identifiers: MedGen C0009405, MeSH D003123.
Hereditary cancer-predisposing syndrome. Also called: Hereditary Cancer Syndrome; Hereditary neoplastic syndrome; Neoplastic Syndromes, Hereditary; Tumor predisposition. Identifiers: Orphanet 140162, MedGen C0027672, MeSH D009386, MONDO:0015356.
Lynch syndrome. Identifiers: Orphanet 144, MedGen C4552100, MONDO:0005835. Disease mechanism: loss of function.

Submissions (4):

Labcorp Genetics (formerly Invitae), Labcorp
Classification: Uncertain significance for Hereditary nonpolyposis colorectal neoplasms. Last evaluated: 2025-02-03. Review status: criteria provided, single submitter. Criteria: Invitae Variant Classification Sherloc (09022015). Collection method: clinical testing. Allele origin: germline.
Comment: This sequence change replaces alanine, which is neutral and non-polar, with valine, which is neutral and non-polar, at codon 116 of the PMS2 protein (p.Ala116Val). This variant is not present in population databases (gnomAD no frequency). This variant has not been reported in the literature in individuals affected with PMS2-related conditions. ClinVar contains an entry for this variant (Variation ID: 455712). Invitae Evidence Modeling incorporating data from in vitro experimental studies (internal data) indicates that this missense variant is not expected to disrupt PMS2 function with a negative predictive value of 95%. In summary, the available evidence is currently insufficient to determine the role of this variant in disease. Therefore, it has been classified as a Variant of Uncertain Significance.

Ambry Genetics
Classification: Uncertain significance for Hereditary cancer-predisposing syndrome. Last evaluated: 2024-05-07. Review status: criteria provided, single submitter. Criteria: Ambry Variant Classification Scheme 2023. Collection method: clinical testing. Allele origin: germline.
Comment: The p.A116V variant (also known as c.347C>T), located in coding exon 4 of the PMS2 gene, results from a C to T substitution at nucleotide position 347. The alanine at codon 116 is replaced by valine, an amino acid with similar properties. This amino acid position is highly conserved in available vertebrate species. In addition, this alteration is predicted to be deleterious by in silico analysis. Based on the available evidence, the clinical significance of this variant remains unclear.

Color Diagnostics, LLC DBA Color Health
Classification: Uncertain significance for Hereditary cancer-predisposing syndrome. Last evaluated: 2024-03-06. Review status: criteria provided, single submitter. Criteria: ACMG Guidelines, 2015. Collection method: clinical testing. Allele origin: germline.
Comment: This missense variant replaces alanine with valine at codon 116 of the PMS2 protein. Computational prediction suggests that this variant may have deleterious impact on protein structure and function (internally defined REVEL score threshold >= 0.7, PMID: 27666373). To our knowledge, functional studies have not been reported for this variant. This variant has not been reported in individuals affected with PMS2-related disorders in the literature. This variant has not been identified in the general population by the Genome Aggregation Database (gnomAD). The available evidence is insufficient to determine the role of this variant in disease conclusively. Therefore, this variant is classified as a Variant of Uncertain Significance.

All of Us Research Program, National Institutes of Health
Classification: Uncertain significance for Lynch syndrome. Last evaluated: 2023-08-15. Review status: criteria provided, single submitter. Criteria: ACMG Guidelines, 2015. Collection method: clinical testing. Allele origin: germline. Inheritance: Autosomal dominant inheritance. Observed: 1 variant allele, 1 heterozygote.
Comment: This missense variant replaces alanine with valine at codon 116 of the PMS2 protein. Computational prediction suggests that this variant may have deleterious impact on protein structure and function (internally defined REVEL score threshold >= 0.7, PMID: 27666373). To our knowledge, functional studies have not been reported for this variant. This variant has not been reported in individuals affected with PMS2-related disorders in the literature. This variant has not been identified in the general population by the Genome Aggregation Database (gnomAD). The available evidence is insufficient to determine the role of this variant in disease conclusively. Therefore, this variant is classified as a Variant of Uncertain Significance.

This study involves interpretation of variants in research participants for the purpose of population health screening. Participant phenotype was not available at the time of variant classification. Additional details can be found in publication PMID: 35346344, PMCID: PMC8962531

NM_000535.7(PMS2):c.347C>T (p.Ala116Val)

Gene: PMS2 (PMS1 homolog 2, mismatch repair system component; minus strand). Cytogenetic location: 7p22.1.
Variant type: single nucleotide variant.
Coding change: c.347C>T on transcript NM_000535.7 (MANE Select); coding-DNA position 347, C replaced by T.
Protein change: p.Ala116Val; replaces alanine 116 with valine.
Molecular consequence: missense variant. On other transcripts: 5 prime UTR variant (9), non-coding transcript variant (1), intron variant (2).
Genome position (GRCh38, 1-based): chr7:6,003,696, G>A on the plus strand (C>T on the coding strand, the complement: PMS2 is on the minus strand). VCF-style: chr7-6003696-G-A. GRCh37 (hg19) VCF-style: chr7-6043327-G-A.
Other names: c.-59C>T (NM_001322003.2, NM_001322004.2, NM_001322005.2 and 3 more transcripts); c.347C>T, p.Ala116Val (NM_001322006.2, NM_001322014.2); c.-538C>T (NM_001322011.2, NM_001322012.2); c.-138C>T (NM_001322015.2); c.35+276C>T (NM_001322008.2, NM_001322007.2); short protein forms A116V.
Identifiers: ClinVar variation 455712 (VCV000455712.15), dbSNP rs1554304601, ClinGen allele CA366744533.